The following is an entry in ClinVar:

NM_000090.4(COL3A1):c.3604G>A (p.Ala1202Thr)

Gene: COL3A1 (collagen type III alpha 1 chain; plus strand). Cytogenetic location: 2q32.2.
Variant type: single nucleotide variant.
Coding change: c.3604G>A on transcript NM_000090.4 (MANE Select); coding-DNA position 3604, G replaced by A.
Protein change: p.Ala1202Thr; replaces alanine 1202 with threonine.
Molecular consequence: missense variant.
Genome position (GRCh38, 1-based): chr2:189,009,002, G>A. VCF-style: chr2-189009002-G-A. GRCh37 (hg19) VCF-style: chr2-189873728-G-A.
Other names: short protein forms A1202T.
Identifiers: ClinVar variation 862091 (VCV000862091.8), dbSNP rs1270244946, ClinGen allele CA349846723.

ClinVar aggregate classification (germline): Uncertain significance. Review status: criteria provided, multiple submitters, no conflicts (2 of 4 stars). 2 submissions from 2 submitters: Uncertain significance (2). Last evaluated 2023-10-23.

Conditions:
Ehlers-Danlos syndrome, type 4 (EDSVASC). Also called: Ehlers-Danlos Syndrome Type IV; Ehlers-Danlos syndrome vascular type; Ehlers Danlos syndrome, ecchymotic type; Ehlers Danlos syndrome, arterial type; Ehlers Danlos syndrome, Sack-Barabas type. Identifiers: Orphanet 286, MedGen C0268338, MONDO:0017314, OMIM 130050.

Allele frequency attached by ClinVar (database versions not stated): gnomAD exomes below 0.00001.
gnomAD v4.1: 2 of 1,614,210 alleles (0.00012%); highest among the groups gnomAD compares: East Asian, 0.0045%; no homozygotes.

Submissions (2):

All of Us Research Program, National Institutes of Health
Classification: Uncertain significance for Ehlers-Danlos syndrome, type 4. Last evaluated: 2023-10-23. Review status: criteria provided, single submitter. Criteria: ACMG Guidelines, 2015. Collection method: clinical testing. Allele origin: germline. Inheritance: Autosomal dominant inheritance. Observed: 1 variant allele, 1 heterozygote.
Comment: This missense variant replaces alanine with threonine at codon 1202 of the COL3A1 protein. Computational prediction suggests that this variant may not impact protein structure and function (internally defined REVEL score threshold <= 0.5, PMID: 27666373). To our knowledge, functional studies have not been reported for this variant. This variant has not been reported in individuals affected with COL3A1-related disorders in the literature. This variant has been identified in 1/251392 chromosomes in the general population by the Genome Aggregation Database (gnomAD). The available evidence is insufficient to determine the role of this variant in disease conclusively. Therefore, this variant is classified as a Variant of Uncertain Significance.

This study involves interpretation of variants in research participants for the purpose of population health screening. Participant phenotype was not available at the time of variant classification. Additional details can be found in publication PMID: 35346344, PMCID: PMC8962531

Labcorp Genetics (formerly Invitae), Labcorp
Classification: Uncertain significance for Ehlers-Danlos syndrome, type 4. Last evaluated: 2021-08-31. Review status: criteria provided, single submitter. Criteria: Invitae Variant Classification Sherloc (09022015). Collection method: clinical testing. Allele origin: germline.
Comment: This sequence change replaces alanine with threonine at codon 1202 of the COL3A1 protein (p.Ala1202Thr). The alanine residue is moderately conserved and there is a small physicochemical difference between alanine and threonine. This variant is not present in population databases (ExAC no frequency). This variant has not been reported in the literature in individuals affected with COL3A1-related conditions. Algorithms developed to predict the effect of missense changes on protein structure and function are either unavailable or do not agree on the potential impact of this missense change (SIFT: "Tolerated"; PolyPhen-2: "Not Available"; Align-GVGD: "Class C0"). In summary, the available evidence is currently insufficient to determine the role of this variant in disease. Therefore, it has been classified as a Variant of Uncertain Significance.